The following is an entry in ClinVar:

NM_001042492.3(NF1):c.1255del (p.Thr419fs)

Gene: NF1 (neurofibromin 1; plus strand). Cytogenetic location: 17q11.2.
Variant type: Deletion.
Coding change: c.1255del on transcript NM_001042492.3 (MANE Select); coding-DNA position 1255, one base deleted (A; older notation c.1255delA).
Protein change: p.Thr419fs; shifts the reading frame from threonine 419.
Molecular consequence: frameshift variant.
Genome position (GRCh38, 1-based): chr17:31,201,480, A deleted. VCF-style (leftmost placement, unchanged base first): chr17-31201479-CA-C. GRCh37 (hg19) VCF-style: chr17-29528497-CA-C.
Other names: c.1255delA, p.Thr419Profs (NM_000267.4); c.1255del, p.Thr419fs (NM_001128147.3); short protein forms T419fs.
Identifiers: ClinVar variation 481904 (VCV000481904.8), dbSNP rs1555611105, ClinGen allele CA658656579.

ClinVar aggregate classification (germline): Pathogenic. Review status: criteria provided, multiple submitters, no conflicts (2 of 4 stars). 2 submissions from 2 submitters: Pathogenic (2). Last evaluated 2022-04-22.

Conditions:
Hereditary cancer-predisposing syndrome. Also called: Hereditary neoplastic syndrome; Neoplastic Syndromes, Hereditary; Tumor predisposition; Hereditary Cancer Syndrome. Identifiers: Orphanet 140162, MedGen C0027672, MeSH D009386, MONDO:0015356.
Neurofibromatosis, type 1 (NF1). Also called: VON RECKLINGHAUSEN DISEASE; Peripheral type neurofibromatosis; NEUROFIBROMATOSIS, TYPE I, SOMATIC; Neurofibromatosis, type I. Identifiers: Orphanet 636, MedGen C0027831, MONDO:0018975, OMIM 162200. Disease mechanism: loss of function.

Submissions (2):

Labcorp Genetics (formerly Invitae), Labcorp
Classification: Pathogenic for Neurofibromatosis, type 1. Last evaluated: 2022-04-22. Review status: criteria provided, single submitter. Criteria: Invitae Variant Classification Sherloc (09022015). Collection method: clinical testing. Allele origin: germline.
Comment: For these reasons, this variant has been classified as Pathogenic. ClinVar contains an entry for this variant (Variation ID: 481904). This premature translational stop signal has been observed in individual(s) with neurofibromatosis type I (PMID: 10712197). This variant is not present in population databases (gnomAD no frequency). This sequence change creates a premature translational stop signal (p.Thr419Profs*54) in the NF1 gene. It is expected to result in an absent or disrupted protein product. Loss-of-function variants in NF1 are known to be pathogenic (PMID: 10712197, 23913538).

Ambry Genetics
Classification: Pathogenic for Hereditary cancer-predisposing syndrome. Last evaluated: 2016-02-22. Review status: criteria provided, single submitter. Criteria: Ambry Autosomal Dominant and X-Linked criteria (10/2015). Collection method: clinical testing. Allele origin: germline. Observed: 1 variant allele.
Comment: The c.1255delA pathogenic mutation, located in coding exon 11 of the NF1 gene, results from a deletion of one nucleotide atposition 1255, causing a translational frameshift with a predicted alternate stop codon. This pathogenic alteration was described in one individual with neurofibromatosis type 1 out of a cohort of 521 affected individuals (Fashold et al. Am J Hum Genet. 2000 Mar; 66(3):790-818). In addition to the clinical data presented in the literature, since premature stop codons are typically deleterious in nature, this alteration is interpreted as a disease-causing mutation (ACMG Recommendations for Standards for Interpretation and Reporting of Sequence Variations. Revision 2007. Genet Med. 2008;10:294).

Literature cited by the submitters: PubMed 10712197 (cited by Labcorp Genetics (formerly Invitae), Labcorp); PubMed 23913538 (cited by Labcorp Genetics (formerly Invitae), Labcorp).